The following is an entry in ClinVar:

NM_024675.4(PALB2):c.1529G>C (p.Arg510Thr)

Gene: PALB2 (partner and localizer of BRCA2; minus strand). Cytogenetic location: 16p12.2.
Variant type: single nucleotide variant.
Coding change: c.1529G>C on transcript NM_024675.4 (MANE Select); coding-DNA position 1529, G replaced by C.
Protein change: p.Arg510Thr; replaces arginine 510 with threonine.
Molecular consequence: missense variant. On other transcripts: intron variant (3).
Genome position (GRCh38, 1-based): chr16:23,635,017, C>G on the plus strand (G>C on the coding strand, the complement: PALB2 is on the minus strand). VCF-style: chr16-23635017-C-G. GRCh37 (hg19) VCF-style: chr16-23646338-C-G.
Other names: c.1469G>C, p.Arg490Thr (NM_001407296.1); c.1529G>C, p.Arg510Thr (NM_001407297.1, NM_001407298.1, NM_001407299.1 and 3 more transcripts); c.644G>C, p.Arg215Thr (NM_001407304.1, NM_001407305.1, NM_001407306.1 and 5 more transcripts); c.49-5742G>C (NM_001407314.1); c.-104-4548G>C (NM_001407313.1, NM_001407312.1); short protein forms R510T, R215T, R490T.
Identifiers: ClinVar variation 3656546 (VCV003656546.2).

ClinVar aggregate classification (germline): Uncertain significance (1 of 4 stars; one submission).

Conditions:
Familial cancer of breast. Also called: hereditary breast carcinoma; BREAST CANCER, FAMILIAL; Hereditary breast cancer. Identifiers: Orphanet 227535, MedGen C0346153, MONDO:0016419, OMIM 114480. Disease mechanism: loss of function.

Submission:

Labcorp Genetics (formerly Invitae), Labcorp
Classification: Uncertain significance for Familial cancer of breast. Last evaluated: 2024-06-13. Review status: criteria provided, single submitter. Criteria: Invitae Variant Classification Sherloc (09022015). Collection method: clinical testing. Allele origin: germline.
Comment: This sequence change replaces arginine, which is basic and polar, with threonine, which is neutral and polar, at codon 510 of the PALB2 protein (p.Arg510Thr). This variant is not present in population databases (gnomAD no frequency). This variant has not been reported in the literature in individuals affected with PALB2-related conditions. Advanced modeling of protein sequence and biophysical properties (such as structural, functional, and spatial information, amino acid conservation, physicochemical variation, residue mobility, and thermodynamic stability) has been performed at Invitae for this missense variant, however the output from this modeling did not meet the statistical confidence thresholds required to predict the impact of this variant on PALB2 protein function. In summary, the available evidence is currently insufficient to determine the role of this variant in disease. Therefore, it has been classified as a Variant of Uncertain Significance.